The following is an entry in ClinVar:

NM_001164665.2(KIAA1549):c.4208A>G (p.Lys1403Arg)

Gene: KIAA1549 (KIAA1549; minus strand). Cytogenetic location: 7q34.
Variant type: single nucleotide variant.
Coding change: c.4208A>G on transcript NM_001164665.2 (MANE Select); coding-DNA position 4208, A replaced by G.
Protein change: p.Lys1403Arg; replaces lysine 1403 with arginine.
Molecular consequence: missense variant.
Genome position (GRCh38, 1-based): chr7:138,881,409, T>C on the plus strand (A>G on the coding strand, the complement: KIAA1549 is on the minus strand). VCF-style: chr7-138881409-T-C. GRCh37 (hg19) VCF-style: chr7-138566155-T-C.
Other names: c.4208A>G, p.Lys1403Arg (NM_020910.3); short protein forms K1403R.
Identifiers: ClinVar variation 1011588 (VCV001011588.8), dbSNP rs752720614, ClinGen allele CA4505979.
Genomic context (GRCh38, chr7:138,881,409, plus strand): 5'-CTCTGCAACAAAGAATAATACAGAAAGCCCAATAATAACCTTCCTCTGTGACGAACATTC[T>C]TGGAAGGGATCTTTGACTTGGGGCTTGGCACGTCTCCATTTTCCGAGGGCGTGGTGTGGT-3'
Protein context (NP_001158137.1, residues 1393-1413): VPSPKSKIPS[Lys1403Arg]NVRHRGRVSP

ClinVar aggregate classification (germline): Uncertain significance. Review status: criteria provided, multiple submitters, no conflicts (2 of 4 stars). 2 submissions from 2 submitters: Uncertain significance (2). Last evaluated 2023-02-02.

Allele frequency attached by ClinVar (database versions not stated): gnomAD 0.00001; gnomAD exomes 0.00001 and 0.00006; ExAC 0.00003; TOPMed 0.00003.
gnomAD v4.1: 11 of 1,613,658 alleles (0.00068%); highest among the groups gnomAD compares: East Asian, 0.022%; no homozygotes.

Submissions (2):

Blueprint Genetics
Classification: Uncertain significance. Last evaluated: 2023-02-02. Review status: criteria provided, single submitter. Criteria: ACMG Guidelines, 2015. Collection method: clinical testing. Allele origin: germline.

Labcorp Genetics (formerly Invitae), Labcorp
Classification: Uncertain significance. Last evaluated: 2022-08-15. Review status: criteria provided, single submitter. Criteria: Invitae Variant Classification Sherloc (09022015). Collection method: clinical testing. Allele origin: germline.
Comment: This sequence change replaces lysine, which is basic and polar, with arginine, which is basic and polar, at codon 1403 of the KIAA1549 protein (p.Lys1403Arg). This variant is present in population databases (rs752720614, gnomAD 0.07%). This variant has not been reported in the literature in individuals affected with KIAA1549-related conditions. ClinVar contains an entry for this variant (Variation ID: 1011588). Algorithms developed to predict the effect of missense changes on protein structure and function are either unavailable or do not agree on the potential impact of this missense change (SIFT: "Tolerated"; PolyPhen-2: "Probably Damaging"; Align-GVGD: "Class C0"). In summary, the available evidence is currently insufficient to determine the role of this variant in disease. Therefore, it has been classified as a Variant of Uncertain Significance.